The following is an entry in ClinVar:

ClinVar aggregate classification (germline): Uncertain significance. Review status: criteria provided, multiple submitters, no conflicts (2 of 4 stars). 2 submissions from 2 submitters: Uncertain significance (2). Last evaluated 2025-12-03.

Conditions:
Hereditary cancer-predisposing syndrome. Also called: Hereditary neoplastic syndrome; Tumor predisposition; Neoplastic Syndromes, Hereditary; Hereditary Cancer Syndrome. Identifiers: Orphanet 140162, MedGen C0027672, MeSH D009386, MONDO:0015356.
Multiple endocrine neoplasia type 4. Also called: MULTIPLE ENDOCRINE NEOPLASIA, TYPE IV. Identifiers: Orphanet 276152, MedGen C1970712, MONDO:0012552, OMIM 610755.

Allele frequency attached by ClinVar (database versions not stated): TOPMed below 0.00001.

Submissions (2):

Ambry Genetics
Classification: Uncertain significance for Hereditary cancer-predisposing syndrome. Last evaluated: 2025-12-03. Review status: criteria provided, single submitter. Criteria: Ambry Variant Classification Scheme 2023. Collection method: clinical testing. Allele origin: germline.
Comment: The p.Q77E variant (also known as c.229C>G), located in coding exon 1 of the CDKN1B gene, results from a C to G substitution at nucleotide position 229. The glutamine at codon 77 is replaced by glutamic acid, an amino acid with highly similar properties. This amino acid position is not well conserved in available vertebrate species. In addition, this alteration is predicted to be tolerated by in silico analysis. Based on the available evidence, the clinical significance of this variant remains unclear.

Labcorp Genetics (formerly Invitae), Labcorp
Classification: Uncertain significance for Multiple endocrine neoplasia type 4. Last evaluated: 2025-12-02. Review status: criteria provided, single submitter. Criteria: Invitae Variant Classification Sherloc (09022015). Collection method: clinical testing. Allele origin: germline.
Comment: This sequence change replaces glutamine, which is neutral and polar, with glutamic acid, which is acidic and polar, at codon 77 of the CDKN1B protein (p.Gln77Glu). This variant is not present in population databases (gnomAD no frequency). This variant has not been reported in the literature in individuals affected with CDKN1B-related conditions. ClinVar contains an entry for this variant (Variation ID: 958442). An algorithm developed to predict the effect of missense changes on protein structure and function (PolyPhen-2) suggests that this variant is likely to be tolerated. In summary, the available evidence is currently insufficient to determine the role of this variant in disease. Therefore, it has been classified as a Variant of Uncertain Significance.

NM_004064.5(CDKN1B):c.229C>G (p.Gln77Glu)

Gene: CDKN1B (cyclin dependent kinase inhibitor 1B; plus strand). Cytogenetic location: 12p13.1.
Variant type: single nucleotide variant.
Coding change: c.229C>G on transcript NM_004064.5 (MANE Select); coding-DNA position 229, C replaced by G.
Protein change: p.Gln77Glu; replaces glutamine 77 with glutamic acid.
Molecular consequence: missense variant.
Genome position (GRCh38, 1-based): chr12:12,718,068, C>G. VCF-style: chr12-12718068-C-G. GRCh37 (hg19) VCF-style: chr12-12871002-C-G.
Other names: short protein forms Q77E.
Identifiers: ClinVar variation 958442 (VCV000958442.12), dbSNP rs1946491661, ClinGen allele CA383969655.